The following is an entry in ClinVar:

NM_001379200.1(TBX1):c.936-9del

Gene: TBX1 (T-box transcription factor 1; plus strand). Cytogenetic location: 22q11.21.
Variant type: Deletion.
Coding change: c.936-9del on transcript NM_001379200.1 (MANE Select); 9 bases into the intron before coding-DNA position 936, one base deleted (C; older notation c.936-9delC).
Molecular consequence: intron variant.
Genome position (GRCh38, 1-based): chr22:19,765,893, C deleted; the last of 3 consecutive C bases (chr22:19,765,891-19,765,893); deleting any one gives the same sequence. VCF-style (leftmost placement, unchanged base first): chr22-19765890-TC-T. GRCh37 (hg19) VCF-style: chr22-19753413-TC-T.
Other names: c.909-9delC (NM_080647.1); c.909-9del (NM_005992.1, NM_080646.2, NM_080647.1).
Identifiers: ClinVar variation 1531698 (VCV001531698.11), dbSNP rs763127510, ClinGen allele CA10102634.
Genomic context (GRCh38, chr22:19,765,890, plus strand): 5'-GTGTCCTCCCCCGAGAGAGTGAGCGCCGGGCGCCTGGCGCAGGCGCCGCCCTGATCCGCC[TC>T]CCGCCCGCAGGCCCCGGAACCACCGGCCCGGCGCACTGCCGCTCATGAGCGCCTTCGCGC-3'

ClinVar aggregate classification (germline): Benign/Likely benign. Review status: criteria provided, multiple submitters, no conflicts (2 of 4 stars). 3 submissions from 3 submitters: Benign (1); Likely benign (1). 1 of the submissions does not count toward it. Last evaluated 2025-12-30.

Conditions:
DiGeorge syndrome. Also called: Catch22; THIRD AND FOURTH PHARYNGEAL POUCH SYNDROME. Identifiers: Orphanet 567, MedGen C0012236, MONDO:0008564, OMIM 188400.
TBX1-related disorder. Also called: TBX1-Related Disorders; TBX1-related condition.

Submissions (3):

Labcorp Genetics (formerly Invitae), Labcorp
Classification: Benign for DiGeorge syndrome. Last evaluated: 2025-12-30. Review status: criteria provided, single submitter. Criteria: Invitae Variant Classification Sherloc (09022015). Collection method: clinical testing. Allele origin: germline.

Blueprint Genetics
Classification: Likely benign. Last evaluated: 2021-11-30. Review status: criteria provided, single submitter. Criteria: ACMG Guidelines, 2015. Collection method: clinical testing. Allele origin: germline.

PreventionGenetics, part of Exact Sciences
Classification: Likely benign for TBX1-related condition. Last evaluated: 2023-12-07. Review status: no assertion criteria provided. Collection method: clinical testing. Allele origin: germline. Not counted in ClinVar's aggregate classification.
Comment: This variant is classified as likely benign based on ACMG/AMP sequence variant interpretation guidelines (Richards et al. 2015 PMID: 25741868, with internal and published modifications).